The following is an entry in ClinVar:

ClinVar aggregate classification (germline): Benign (0 of 4 stars; one submission).

Conditions:
FYB1-related disorder. Also called: FYB1-related condition.

Allele frequency attached by ClinVar (database versions not stated): gnomAD 0.00056; TOPMed 0.00059; gnomAD exomes 0.00090; ExAC 0.00108; 1000 Genomes Project 30x 0.00219; 1000 Genomes Project 0.00260.
gnomAD v4.1: 1,373 of 1,613,956 alleles (0.085%); highest among the groups gnomAD compares: East Asian, 3%; 34 homozygotes.

Submission:

PreventionGenetics, part of Exact Sciences
Classification: Benign for FYB1-related condition. Last evaluated: 2019-08-20. Review status: no assertion criteria provided. Collection method: clinical testing. Allele origin: germline.
Comment: This variant is classified as benign based on ACMG/AMP sequence variant interpretation guidelines (Richards et al. 2015 PMID: 25741868, with internal and published modifications).

NM_001465.6(FYB1):c.982C>A (p.Gln328Lys)

Gene: FYB1 (FYN binding protein 1; minus strand). Cytogenetic location: 5p13.1.
Variant type: single nucleotide variant.
Coding change: c.982C>A on transcript NM_001465.6 (MANE Select); coding-DNA position 982, C replaced by A.
Protein change: p.Gln328Lys; replaces glutamine 328 with lysine.
Molecular consequence: missense variant.
Genome position (GRCh38, 1-based): chr5:39,201,979, G>T on the plus strand (C>A on the coding strand, the complement: FYB1 is on the minus strand). VCF-style: chr5-39201979-G-T. GRCh37 (hg19) VCF-style: chr5-39202081-G-T.
Other names: c.1012C>A, p.Gln338Lys (NM_001243093.2, NM_018594.2); c.982C>A, p.Gln328Lys (NM_001349333.2, NM_199335.5); short protein forms Q328K, Q338K.
Identifiers: ClinVar variation 3053173 (VCV003053173.2), dbSNP rs74512678, ClinGen allele CA3246362.